The following is an entry in ClinVar:

NM_014363.6(SACS):c.2278T>C (p.Leu760=)

Gene: SACS (sacsin molecular chaperone; minus strand). Cytogenetic location: 13q12.12.
Variant type: single nucleotide variant.
Coding change: c.2278T>C on transcript NM_014363.6 (MANE Select); coding-DNA position 2278, T replaced by C.
Protein change: p.Leu760=; no amino-acid change (leucine 760 retained).
Molecular consequence: synonymous variant.
Genome position (GRCh38, 1-based): chr13:23,341,598, A>G on the plus strand (T>C on the coding strand, the complement: SACS is on the minus strand). VCF-style: chr13-23341598-A-G. GRCh37 (hg19) VCF-style: chr13-23915737-A-G.
Other names: c.1837T>C, p.Leu613= (NM_001278055.2).
Identifiers: ClinVar variation 1153127 (VCV001153127.33), dbSNP rs770454726, ClinGen allele CA6911714.
Genomic context (GRCh38, chr13:23,341,598, plus strand): 5'-TAAGCCATGAAACAGATGGGTGATTTCTGTTTTCATCAAATGGATACCATTGAACAATCA[A>G]TTCTCTGCCAGGCCAGAATGTATTCATTACTTCCTTGATAAGACGTGCAAATCGTTCTGG-3'
Protein context (NP_055178.3, residues 750-770): VMNTFWPGRE[Leu760=]IVQWYPFDEN

ClinVar aggregate classification (germline): Likely benign. Review status: criteria provided, multiple submitters, no conflicts (2 of 4 stars). 3 submissions from 3 submitters: Likely benign (2). 1 of the submissions does not count toward it. Last evaluated 2023-08-07.

Conditions:
Charlevoix-Saguenay spastic ataxia (SACS). Also called: Spastic ataxia of Charlevoix-Saguenay; AUTOSOMAL RECESSIVE SPASTIC ATAXIA OF CHARLEVOIX-SAGUENAY; SPASTIC ATAXIA 6, AUTOSOMAL RECESSIVE. Identifiers: Orphanet 98, MedGen C1849140, MONDO:0010041, OMIM 270550.
Spastic paraplegia. Identifiers: MedGen C0037772, HP:0001258.

Allele frequency attached by ClinVar (database versions not stated): gnomAD 0.00001; gnomAD exomes 0.00001; ExAC 0.00002; TOPMed 0.00003.
gnomAD v4.1: 12 of 1,613,858 alleles (0.00074%); highest among the groups gnomAD compares: Non-Finnish European, 0.001%; no homozygotes.

Submissions (3):

Labcorp Genetics (formerly Invitae), Labcorp
Classification: Likely benign for Spastic paraplegia. Last evaluated: 2023-08-07. Review status: criteria provided, single submitter. Criteria: Invitae Variant Classification Sherloc (09022015). Collection method: clinical testing. Allele origin: germline.

CeGaT Center for Human Genetics Tuebingen
Classification: Likely benign. Last evaluated: 2022-12-01. Review status: criteria provided, single submitter. Criteria: CeGaT Center For Human Genetics Tuebingen Variant Classification Criteria Version 2. Collection method: clinical testing. Allele origin: germline. Affected: yes. Observed: 1 variant allele.
Comment: SACS: BP4, BP7

Natera, Inc.
Classification: Likely benign for Charlevoix-Saguenay type spastic ataxia. Last evaluated: 2021-07-13. Review status: no assertion criteria provided. Collection method: clinical testing. Allele origin: germline. Not counted in ClinVar's aggregate classification.